The following is an entry in ClinVar:

NM_001015880.2(PAPSS2):c.301C>T (p.Arg101Cys)

Gene: PAPSS2 (3'-phosphoadenosine 5'-phosphosulfate synthase 2; plus strand). Cytogenetic location: 10q23.31.
Variant type: single nucleotide variant.
Coding change: c.301C>T on transcript NM_001015880.2 (MANE Select); coding-DNA position 301, C replaced by T.
Protein change: p.Arg101Cys; replaces arginine 101 with cysteine.
Molecular consequence: missense variant.
Genome position (GRCh38, 1-based): chr10:87,713,230, C>T. VCF-style: chr10-87713230-C-T. GRCh37 (hg19) VCF-style: chr10-89472987-C-T.
Other names: c.301C>T, p.Arg101Cys (NM_004670.4); c.301C>T (NM_004670.3); short protein forms R101C.
Identifiers: ClinVar variation 1028942 (VCV001028942.11), dbSNP rs1354947408, ClinGen allele CA377486841.
Genomic context (GRCh38, chr10:87,713,230, plus strand): 5'-GTCCGTCATGGCCTTAACAGAAATCTCGGATTCTCTCCTGGGGACAGAGAGGAAAATATC[C>T]GCCGGATTGCTGAGGTGGCTAAGCTGTTTGCTGATGCTGGTCTGGTCTGCATTACCAGCT-3'
Protein context (NP_001015880.1, residues 91-111): FSPGDREENI[Arg101Cys]RIAEVAKLFA

ClinVar aggregate classification (germline): Uncertain significance. Review status: criteria provided, multiple submitters, no conflicts (2 of 4 stars). 4 submissions from 4 submitters: Uncertain significance (4). Last evaluated 2025-11-26.

Conditions:
Inborn genetic diseases. Identifiers: MedGen C0950123, MeSH D030342.
Spondyloepimetaphyseal dysplasia, PAPSS2 type. Also called: BRACHYOLMIA TYPE 4 WITH MILD EPIPHYSEAL AND METAPHYSEAL CHANGES; SPONDYLODYSPLASIA AND PREMATURE PUBARCHE; SEMD, PAKISTANI TYPE. Identifiers: Orphanet 93282, MedGen C2748516, MONDO:0019666, OMIM 612847.

Allele frequency attached by ClinVar (database versions not stated): gnomAD exomes below 0.00001; TOPMed 0.00001; gnomAD 0.00002.
gnomAD v4.1: 15 of 1,603,752 alleles (0.00094%); highest among the groups gnomAD compares: East Asian, 0.0046%; no homozygotes.

Submissions (4):

Ambry Genetics
Classification: Uncertain significance for Inborn genetic diseases. Last evaluated: 2025-11-26. Review status: criteria provided, single submitter. Criteria: Ambry Variant Classification Scheme 2023. Collection method: clinical testing. Allele origin: germline.

Labcorp Genetics (formerly Invitae), Labcorp
Classification: Uncertain significance for Spondyloepimetaphyseal dysplasia, PAPSS2 type. Last evaluated: 2023-11-06. Review status: criteria provided, single submitter. Criteria: Invitae Variant Classification Sherloc (09022015). Collection method: clinical testing. Allele origin: germline.
Comment: This sequence change replaces arginine, which is basic and polar, with cysteine, which is neutral and slightly polar, at codon 101 of the PAPSS2 protein (p.Arg101Cys). This variant is present in population databases (no rsID available, gnomAD 0.006%). This variant has not been reported in the literature in individuals affected with PAPSS2-related conditions. ClinVar contains an entry for this variant (Variation ID: 1028942). An algorithm developed to predict the effect of missense changes on protein structure and function (PolyPhen-2) suggests that this variant is likely to be disruptive. In summary, the available evidence is currently insufficient to determine the role of this variant in disease. Therefore, it has been classified as a Variant of Uncertain Significance.

Baylor Genetics
Classification: Uncertain significance for Spondyloepimetaphyseal dysplasia, PAPSS2 type. Last evaluated: 2019-04-05. Review status: criteria provided, single submitter. Criteria: ACMG Guidelines, 2015. Collection method: clinical testing. Allele origin: paternal. Affected: yes.
Comment: This variant was determined to be of uncertain significance according to ACMG Guidelines, 2015 [PMID:25741868].

Juno Genomics, Hangzhou Juno Genomics, Inc
Classification: Uncertain significance for Spondyloepimetaphyseal dysplasia, PAPSS2 type. Review status: criteria provided, single submitter. Criteria: ACMG Guidelines, 2015. Collection method: clinical testing. Allele origin: germline.
Comment: Absent from controls (or at extremely low frequency if recessive) in Genome Aggregation Database.;Multiple lines of computational evidence support a deleterious effect on the gene or gene product.